The following is an entry in ClinVar:

NM_001735.3(C5):c.52G>T (p.Gly18Ter)

Gene: C5 (complement C5; minus strand). Cytogenetic location: 9q33.2.
Variant type: single nucleotide variant.
Coding change: c.52G>T on transcript NM_001735.3 (MANE Select); coding-DNA position 52, G replaced by T.
Protein change: p.Gly18Ter; replaces glycine 18 with a stop codon.
Molecular consequence: nonsense. On other transcripts: intron variant (1).
Genome position (GRCh38, 1-based): chr9:121,050,195, C>A on the plus strand (G>T on the coding strand, the complement: C5 is on the minus strand). VCF-style: chr9-121050195-C-A. GRCh37 (hg19) VCF-style: chr9-123812473-C-A.
Other names: c.52G>T, p.Gly18Ter (NM_001317164.2); c.84-3812G>T (NM_001317163.2); short protein forms G18*.
Identifiers: ClinVar variation 2785872 (VCV002785872.3), dbSNP rs2540464494, ClinGen allele CA374735405.
Genomic context (GRCh38, chr9:121,050,195, plus strand): 5'-TCATAACTAAGATGCATTGAAAAATGAAGATAGCTTGTTTTACTTACGTTTGCTCCTGTC[C>A]CCAGGTTTTCCCCAGGAAGATTAAAAAACAAAGTATTCCCAAAAGGCCCATGGTTGGAGG-3'

ClinVar aggregate classification (germline): Pathogenic (1 of 4 stars; one submission).

Submission:

Labcorp Genetics (formerly Invitae), Labcorp
Classification: Pathogenic. Last evaluated: 2024-04-05. Review status: criteria provided, single submitter. Criteria: Invitae Variant Classification Sherloc (09022015). Collection method: clinical testing. Allele origin: germline.
Comment: This sequence change creates a premature translational stop signal (p.Gly18*) in the C5 gene. It is expected to result in an absent or disrupted protein product. Loss-of-function variants in C5 are known to be pathogenic (PMID: 7730648, 19414197, 27026170). This variant is not present in population databases (gnomAD no frequency). This variant has not been reported in the literature in individuals affected with C5-related conditions. For these reasons, this variant has been classified as Pathogenic.

Literature cited by the submitters: PubMed 7730648; PubMed 19414197; PubMed 27026170.